The following is an entry in ClinVar:

NM_000138.5(FBN1):c.4459G>A (p.Asp1487Asn)

Gene: FBN1 (fibrillin 1; minus strand). Cytogenetic location: 15q21.1.
Variant type: single nucleotide variant.
Coding change: c.4459G>A on transcript NM_000138.5 (MANE Select); coding-DNA position 4459, G replaced by A.
Protein change: p.Asp1487Asn; replaces aspartic acid 1487 with asparagine.
Molecular consequence: missense variant.
Genome position (GRCh38, 1-based): chr15:48,470,634, C>T on the plus strand (G>A on the coding strand, the complement: FBN1 is on the minus strand). VCF-style: chr15-48470634-C-T. GRCh37 (hg19) VCF-style: chr15-48762831-C-T.
Other names: NM_000138.4(FBN1):c.4459G>A; p.Asp1487Asn; short protein forms D1487N.
Identifiers: ClinVar variation 549232 (VCV000549232.36), dbSNP rs113693945, ClinGen allele CA269554323.
Genomic context (GRCh38, chr15:48,470,634, plus strand): 5'-CCAATAGCTGGGTCCCCCGGGACACCAGGGAGCTGATTTTGATGCCAGTGGAGGTCTTAC[C>T]TGTGCAGTTCCCGCCGCTTCTGTCCAGTTCGTAGCCTATCTCACACTCACAGCGGAACAG-3'
Protein context (NP_000129.3, residues 1477-1497): ELDRSGGNCT[Asp1487Asn]VNECLDPTTC

ClinVar aggregate classification (germline): Pathogenic. Review status: reviewed by expert panel (3 of 4 stars). 6 submissions from 6 submitters: Pathogenic (1). 5 of the submissions do not count toward it. Last evaluated 2022-12-01.

Conditions:
Familial thoracic aortic aneurysm and aortic dissection (TAAD). Also called: Thoracic aortic aneurysms and dissections. Identifiers: Orphanet 91387, MedGen C4707243, MONDO:0019625.
Marfan syndrome (MFS). Also called: Marfan syndrome type 1; Marfan syndrome, classic; Marfan's syndrome; FBN1-Related Marfan Syndrome; MARFAN SYNDROME, TYPE I. Identifiers: Orphanet 284963, Orphanet 558, MedGen C0024796, MONDO:0007947, OMIM 154700.

Submissions (6):

ClinGen FBN1 Variant Curation Expert Panel, ClinGen
Classification: Pathogenic for Marfan syndrome. Last evaluated: 2022-12-01. Review status: reviewed by expert panel. Criteria: Assertion Criteria VCEP FBN1 Version 1. Collection method: curation. Allele origin: germline. Inheritance: Autosomal dominant inheritance.
Comment: The NM_000138 c.4459G>A, is a missense variant in FBN1 predicted to cause a substitution of an Aspartic acid by Asparagine at amino acid 1487 p.(Asp1487Asn). This variant was found in four probands meeting the Ghent criteria (PP4, PS4_strong). The variant segregates with the disease in six affected family members of one proband and three affected family members of another proband (PP1_strong). This variant has been reported three times in ClinVar as likely pathogenic (Variation ID: 549232). It has been reported one time in the literature in a proband with classical Marfan syndrome (PMID: 19293843). This variant is not present in gnomAD v2.1.1 (PM2_sup). This variant lies in a critical calcium binding site within a calcium binding EGF domain (PM1). Computational prediction tools and conservation analysis suggest that this variant may impact the protein structure (PP3). The constraint z-score for missense variants affecting FBN1 is 5.06 (PP2). In summary, this variant meets criteria to be classified as pathogenic for Marfan syndrome based on the ACMG/AMP criteria applied, as specified by the ClinGen FBN1 VCEP: PS4, PP1_strong, PM1, PP2, PP3, PP4, PM2_supporting

Labcorp Genetics (formerly Invitae), Labcorp
Classification: Pathogenic for Marfan syndrome; Familial thoracic aortic aneurysm and aortic dissection. Last evaluated: 2025-05-05. Review status: criteria provided, single submitter. Criteria: Invitae Variant Classification Sherloc (09022015). Collection method: clinical testing. Allele origin: germline. Not counted in ClinVar's aggregate classification.
Comment: This sequence change replaces aspartic acid, which is acidic and polar, with asparagine, which is neutral and polar, at codon 1487 of the FBN1 protein (p.Asp1487Asn). This variant also falls at the last nucleotide of exon 36, which is part of the consensus splice site for this exon. This variant is not present in population databases (gnomAD no frequency). This missense change has been observed in individual(s) with clinical features of Marfan syndrome (PMID: 19293843, 35058154; internal data). ClinVar contains an entry for this variant (Variation ID: 549232). An algorithm developed to predict the effect of missense changes on protein structure and function (PolyPhen-2) suggests that this variant is likely to be disruptive. Variants that disrupt the consensus splice site are a relatively common cause of aberrant splicing (PMID: 17576681, 9536098). Algorithms developed to predict the effect of sequence changes on RNA splicing suggest that this variant may disrupt the consensus splice site. For these reasons, this variant has been classified as Pathogenic.

Women's Health and Genetics/Laboratory Corporation of America, LabCorp
Classification: Uncertain significance. Last evaluated: 2024-03-13. Review status: criteria provided, single submitter. Criteria: LabCorp Variant Classification Summary - May 2015. Collection method: clinical testing. Allele origin: germline. Not counted in ClinVar's aggregate classification.
Comment: Variant summary: FBN1 c.4459G>A (p.Asp1487Asn) is located in the exonic splice region and results in a conservative amino acid change in the EGF-like domain of the encoded protein sequence. Four of five in-silico tools predict a damaging effect of the variant on protein function. Several computational tools predict a significant impact on normal splicing: Three predict the variant weakens a 5' donor site and one predicts the variant has no significant impact on splicing. However, these predictions have yet to be confirmed by functional studies. The variant was absent in 251236 control chromosomes (gnomAD). c.4459G>A has been reported in the literature in at least two individuals affected with Marfan Syndrome (Stheneur_2009, Meester_2021). These data indicate that the variant may be associated with disease. To our knowledge, no experimental evidence demonstrating an impact on protein function has been reported. The following publications have been ascertained in the context of this evaluation (PMID: 35058154, 19293843). ClinVar contains an entry for this variant (Variation ID: 549232), wherein two submitters cite internal observations of the variant in affected individuals, however this data is not currently available for independent corroboration. Based on the evidence outlined above, the variant was classified as VUS-possibly pathogenic.

Ambry Genetics
Classification: Uncertain significance for Familial thoracic aortic aneurysm and aortic dissection. Last evaluated: 2022-06-02. Review status: criteria provided, single submitter. Criteria: Ambry Variant Classification Scheme 2023. Collection method: clinical testing. Allele origin: germline. Not counted in ClinVar's aggregate classification.
Comment: The p.D1487N variant (also known as c.4459G>A), located in coding exon 35 of the FBN1 gene, results from a G to A substitution at nucleotide position 4459. The aspartic acid at codon 1487 is replaced by asparagine, an amino acid with highly similar properties. However, this change occurs in the last base pair of coding exon 35, which makes it likely to have some effect on normal mRNA splicing. This variant was reported in an individual with classical Marfan syndrome; however, clinical details were not provided (Stheneur C et al. Eur J Hum Genet, 2009 Sep;17:1121-8). This nucleotide position is highly conserved in available vertebrate species. This amino acid position is highly conserved in available vertebrate species. In silico splice site analysis predicts that this alteration may weaken the native splice donor site. In addition, as a missense substitution this is predicted to be inconclusive by in silico analysis. Since supporting evidence is limited at this time, the clinical significance of this alteration remains unclear.

Centre of Medical Genetics, University of Antwerp
Classification: Likely pathogenic for Marfan syndrome. Last evaluated: 2021-03-01. Review status: criteria provided, single submitter. Criteria: Submitter's publication. Collection method: research. Allele origin: unknown. Affected: yes. Not counted in ClinVar's aggregate classification.
Comment: PM2, PS6, PP4

Center for Medical Genetics Ghent, University of Ghent
Classification: Likely pathogenic for Marfan syndrome. Last evaluated: 2017-11-07. Review status: no assertion criteria provided. Collection method: clinical testing. Allele origin: germline. Affected: yes. Not counted in ClinVar's aggregate classification.

Literature cited by the submitters: PubMed 19293843 (cited by 3 submitters); PubMed 35058154 (cited by Labcorp Genetics (formerly Invitae), Labcorp and Women's Health and Genetics/Laboratory Corporation of America, LabCorp); PubMed 17576681 (cited by Labcorp Genetics (formerly Invitae), Labcorp); PubMed 9536098 (cited by Labcorp Genetics (formerly Invitae), Labcorp).